The following is an entry in ClinVar:

ClinVar aggregate classification (germline): Uncertain significance (1 of 4 stars; one submission).

Conditions:
Hypertrophic cardiomyopathy 19. Also called: Familial hypertrophic cardiomyopathy 19. Identifiers: MedGen CN077603, MONDO:0013476.

gnomAD v4.1: 24 of 1,613,982 alleles (0.0015%); highest among the groups gnomAD compares: South Asian, 0.0088%; no homozygotes.

Submission:

Labcorp Genetics (formerly Invitae), Labcorp
Classification: Uncertain significance for Hypertrophic cardiomyopathy 19. Last evaluated: 2025-11-24. Review status: criteria provided, single submitter. Criteria: Invitae Variant Classification Sherloc (09022015). Collection method: clinical testing. Allele origin: germline.
Comment: This sequence change creates a premature translational stop signal (p.Glu372*) in the CALR3 gene. While this is not anticipated to result in nonsense mediated decay, it is expected to disrupt the last 13 amino acid(s) of the CALR3 protein. This variant is present in population databases (rs140440387, gnomAD 0.006%). This variant has not been reported in the literature in individuals affected with CALR3-related conditions. ClinVar contains an entry for this variant (Variation ID: 2727546). In summary, the available evidence is currently insufficient to determine the role of this variant in disease. Therefore, it has been classified as a Variant of Uncertain Significance.

NM_145046.5(CALR3):c.1114G>T (p.Glu372Ter)

Gene: CALR3 (calreticulin 3; minus strand). Cytogenetic location: 19p13.11.
Variant type: single nucleotide variant.
Coding change: c.1114G>T on transcript NM_145046.5 (MANE Select); coding-DNA position 1114, G replaced by T.
Protein change: p.Glu372Ter; replaces glutamic acid 372 with a stop codon.
Molecular consequence: nonsense.
Genome position (GRCh38, 1-based): chr19:16,479,172, C>A on the plus strand (G>T on the coding strand, the complement: CALR3 is on the minus strand). VCF-style: chr19-16479172-C-A. GRCh37 (hg19) VCF-style: chr19-16589983-C-A.
Other names: short protein forms E372*.
Identifiers: ClinVar variation 2727546 (VCV002727546.3), dbSNP rs140440387, ClinGen allele CA9278168.